The following is an entry in ClinVar:

NM_000091.5(COL4A3):c.3440C>T (p.Ser1147Phe)

Genes: COL4A3 (collagen type IV alpha 3 chain; plus strand), MFF-DT (MFF divergent transcript; minus strand). Cytogenetic location: 2q36.3.
Variant type: single nucleotide variant.
Coding change: c.3440C>T on transcript NM_000091.5 (MANE Select); coding-DNA position 3440, C replaced by T.
Protein change: p.Ser1147Phe; replaces serine 1147 with phenylalanine.
Molecular consequence: missense variant.
Genome position (GRCh38, 1-based): chr2:227,294,985, C>T. VCF-style: chr2-227294985-C-T. GRCh37 (hg19) VCF-style: chr2-228159701-C-T.
Other names: p.Ser1147Phe; short protein forms S1147F.
Identifiers: ClinVar variation 631847 (VCV000631847.15), dbSNP rs200107989, ClinGen allele CA2147250.

ClinVar aggregate classification (germline): Uncertain significance. Review status: criteria provided, multiple submitters, no conflicts (2 of 4 stars). 9 submissions from 9 submitters: Uncertain significance (9). Last evaluated 2026-06-27.

Conditions:
Autosomal recessive Alport syndrome (ATS2). Also called: COL4A4 Alport Syndrome and Thin Basement Membrane Nephropathy; COL4A3-Related Nephropathy; ALPORT SYNDROME 2, AUTOSOMAL RECESSIVE; Alport syndrome type 2. Identifiers: Orphanet 63, Orphanet 88919, MedGen C4746745, MONDO:0008762, OMIM 203780.
Alport syndrome 3b, autosomal recessive. Identifiers: MedGen C5882699, MONDO:0957811, OMIM 620536.
Hematuria, benign familial, 2 (BFH2). Identifiers: MedGen C5830421, MONDO:0958186, OMIM 620320.
Autosomal dominant Alport syndrome (ATS3A). Also called: ALPORT SYNDROME 3A, AUTOSOMAL DOMINANT; Alport syndrome dominant type; Renal failure and sensorineural hearing loss. Identifiers: Orphanet 63, Orphanet 88918, MedGen C5882663, MONDO:0007086, OMIM 104200.
COL4A3-related disorder. Also called: COL4A3-related condition; COL4A3-Related Disorders.
Stickler syndrome. Identifiers: Orphanet 828, MedGen C0265253, MONDO:0019354.

Allele frequency attached by ClinVar (database versions not stated): gnomAD exomes 0.00020; ExAC 0.00022; gnomAD 0.00035 and 0.00037; ESP Exome Variant Server 0.00051.
gnomAD v4.1: 752 of 1,576,836 alleles (0.048%); highest among the groups gnomAD compares: Non-Finnish European, 0.058%; no homozygotes.

Submissions (9):

PreventionGenetics, part of Exact Sciences
Classification: Uncertain significance for COL4A3-related condition. Last evaluated: 2026-06-27. Review status: criteria provided, single submitter. Criteria: ACMG Guidelines, 2015. Collection method: clinical testing. Allele origin: germline.
Comment: The COL4A3 c.3440C>T variant is predicted to result in the amino acid substitution p.Ser1147Phe. However, conclusive evidence of pathogenicity was not presented. This variant is reported in 0.059% of alleles in individuals of African descent in gnomAD. At this time, the clinical significance of this variant is uncertain due to the absence of conclusive functional and genetic evidence.

Center for Genomic Medicine, Rigshospitalet, Copenhagen University Hospital
Classification: Uncertain significance. Last evaluated: 2025-12-29. Review status: criteria provided, single submitter. Criteria: ACMG Guidelines, 2015. Collection method: clinical testing. Allele origin: germline.

Labcorp Genetics (formerly Invitae), Labcorp
Classification: Uncertain significance. Last evaluated: 2025-01-12. Review status: criteria provided, single submitter. Criteria: Invitae Variant Classification Sherloc (09022015). Collection method: clinical testing. Allele origin: germline.
Comment: This sequence change replaces serine, which is neutral and polar, with phenylalanine, which is neutral and non-polar, at codon 1147 of the COL4A3 protein (p.Ser1147Phe). This variant is present in population databases (rs200107989, gnomAD 0.06%). This missense change has been observed in individual(s) with Alport syndrome and/or chronic kidney disease (PMID: 21897443, 24130771, 36938085). In at least one individual the data is consistent with being in trans (on the opposite chromosome) from a pathogenic variant. ClinVar contains an entry for this variant (Variation ID: 631847). Invitae Evidence Modeling of protein sequence and biophysical properties (such as structural, functional, and spatial information, amino acid conservation, physicochemical variation, residue mobility, and thermodynamic stability) indicates that this missense variant is not expected to disrupt COL4A3 protein function with a negative predictive value of 95%. In summary, the available evidence is currently insufficient to determine the role of this variant in disease. Therefore, it has been classified as a Variant of Uncertain Significance.

Blueprint Genetics
Classification: Uncertain significance. Last evaluated: 2024-10-22. Review status: criteria provided, single submitter. Criteria: ACMG Guidelines, 2015. Collection method: clinical testing. Allele origin: germline.

Fulgent Genetics
Classification: Uncertain significance for Autosomal dominant Alport syndrome; Hematuria, benign familial, 2; Alport syndrome 3b, autosomal recessive. Last evaluated: 2024-06-19. Review status: criteria provided, single submitter. Criteria: ACMG Guidelines, 2015. Collection method: clinical testing. Allele origin: germline.

Mayo Clinic Laboratories, Mayo Clinic
Classification: Uncertain significance. Last evaluated: 2023-09-26. Review status: criteria provided, single submitter. Criteria: ACMG Guidelines, 2015. Collection method: clinical testing. Allele origin: germline. Observed: 1 variant allele.
Comment: PM3, PS4_moderate

Victorian Clinical Genetics Services, Murdoch Childrens Research Institute
Classification: Uncertain significance for Autosomal recessive Alport syndrome. Last evaluated: 2021-05-06. Review status: criteria provided, single submitter. Criteria: ACMG Guidelines, 2015. Collection method: clinical testing. Allele origin: germline. Inheritance: Autosomal recessive inheritance.
Comment: Based on the classification scheme VCGS_Germline_v1.3.4, this variant is classified as VUS-3A. Following criteria are met: 0103 - Dominant negative and loss of function are known mechanisms of disease in this gene and are associated with COL4A3-related nephropathy. Glycine changes that are part of a G-X-Y repeat in the triple helix of a collagen domain are known to have a dominant negative effect (PMID: 12028435). (I) 0108 - This gene is associated with both recessive (Alport syndrome 2 MIM#203780) and dominant disease (Alport syndrome 3 MIM#104200 and benign familial hematuria MIM#141200) (OMIM). (I) 0200 - Variant is predicted to result in a missense amino acid change from serine to phenylalanine. (I) 0251 - This variant is heterozygous. (I) 0304 - Variant is present in gnomAD <0.01 for a recessive condition (v3) (51 heterozygotes, 0 homozygotes). (SP) 0309 - An alternative amino acid change at the same position has been observed in gnomAD (v2) (1 heterozygote, 0 homozygotes). (I) 0502 - Missense variant with conflicting in silico predictions and uninformative conservation. (I) 0600 - Variant is located in the annotated collagen triple helical region (Pfam, UCSC). (I) 0705 - No comparable missense variants have previous evidence for pathogenicity. (I) 0803 - This variant has limited previous evidence of pathogenicity and has previously been reported in 1 patient with Alport syndrome where a second variant in the same gene was also identified (PMIDs: 21897443; 24130771). This variant has also been reported as a variant of uncertain significance twice (ClinVar, LOVD) (SP) 0905 - No published segregation evidence has been identified for this variant. (I) 1007 - No published functional evidence has been identified for this variant. (I) Legend: (SP) - Supporting pathogenic, (I) - Information, (SB) - Supporting benign

Department of Otolaryngology – Head & Neck Surgery, Cochlear Implant Center
Classification: Uncertain significance for Stickler syndrome. Last evaluated: 2021-04-12. Review status: criteria provided, single submitter. Criteria: ClinGen HL ACMG Specifications v1. Collection method: clinical testing. Allele origin: germline. Affected: yes.
Comment: PM2_Supporting, BP4_Moderate

Breakthrough Genomics
Classification: Uncertain significance. Review status: criteria provided, single submitter. Criteria: ACMG Guidelines, 2015. Collection method: not provided. Allele origin: germline. Inheritance: Autosomal recessive inheritance. Affected: yes.

Literature cited by the submitters: PubMed 21897443 (cited by 4 submitters); PubMed 36938085 (cited by Center for Genomic Medicine, Rigshospitalet, Copenhagen University Hospital and Labcorp Genetics (formerly Invitae), Labcorp); PubMed 24130771 (cited by 4 submitters); PubMed 12028435 (cited by Victorian Clinical Genetics Services, Murdoch Childrens Research Institute).